The following is an entry in ClinVar:

NM_004004.6(GJB2):c.95G>A (p.Arg32His)

Gene: GJB2 (gap junction protein beta 2; minus strand). Cytogenetic location: 13q12.11.
Variant type: single nucleotide variant.
Coding change: c.95G>A on transcript NM_004004.6 (MANE Select); coding-DNA position 95, G replaced by A.
Protein change: p.Arg32His; replaces arginine 32 with histidine.
Molecular consequence: missense variant.
Genome position (GRCh38, 1-based): chr13:20,189,487, C>T on the plus strand (G>A on the coding strand, the complement: GJB2 is on the minus strand). VCF-style: chr13-20189487-C-T. GRCh37 (hg19) VCF-style: chr13-20763626-C-T.
Other names: short protein forms R32H.
Identifiers: ClinVar variation 44766 (VCV000044766.28), dbSNP rs111033190, ClinGen allele CA261654.
Genomic context (GRCh38, chr13:20,189,487, plus strand): 5'-ACAAAGTCGGCCTGCTCATCTCCCCACACCTCCTTTGCAGCCACAACGAGGATCATAATG[C>T]GAAAAATGAAGAGGACGGTGAGCCAGATCTTTCCAATGCTGGTGGAGTGTTTGTTCACAC-3'
Protein context (NP_003995.2, residues 22-42): KIWLTVLFIF[Arg32His]IMILVVAAKE

ClinVar aggregate classification (germline): Pathogenic. Review status: criteria provided, multiple submitters, no conflicts (2 of 4 stars). 14 submissions from 13 submitters: Pathogenic (11). 3 of the submissions do not count toward it. Last evaluated 2026-03-05.

Conditions:
GJB2-related disorder. Also called: GJB2-related condition; GJB2-related disorders. Identifiers: MedGen CN382183, MONDO:1060236.
Monogenic hearing loss.
Rare genetic deafness. Identifiers: Orphanet 96210, MedGen C5680250.
Autosomal recessive nonsyndromic hearing loss 1A (DFNB1A). Also called: GJB6-Related DFNB 1 Nonsyndromic Hearing Loss and Deafness; Deafness, autosomal recessive 1A; Connexin 26 deafness; Deafness nonsyndromic, Connexin 26 linked; GJB2-Related Autosomal Recessive Nonsyndromic Hearing Loss; Nonsyndromic Hearing Loss and Deafness, DFNB1. Identifiers: Orphanet 90636, MedGen C2673759, MONDO:0009076, OMIM 220290.
Autosomal dominant nonsyndromic hearing loss 3A. Identifiers: Orphanet 90635, MedGen C2675750, MONDO:0011103, OMIM 601544.
nonsyndromic sensorineural hearing loss. Identifiers: MedGen C1842137, MeSH C537845.

Allele frequency attached by ClinVar (database versions not stated): TOPMed 0.00002.

Submissions 1 to 10 of 14:

PreventionGenetics, part of Exact Sciences
Classification: Pathogenic for GJB2-related condition. Last evaluated: 2026-03-05. Review status: criteria provided, single submitter. Criteria: ACMG Guidelines, 2015. Collection method: clinical testing. Allele origin: germline.
Comment: The GJB2 c.95G>A variant is predicted to result in the amino acid substitution p.Arg32His. This variant has been reported in the homozygous and compound heterozygous states along with GJB2 premature termination variants in multiple individuals with non-syndromic hearing loss (Marlin et al. 2001. PubMed ID: 11493200; Santos et al. 2005. PubMed ID: 15617550; Xia et al. 2016. PubMed ID: 27045574; Gao et al. 2016. PubMed ID: 27792752). In vitro experimental studies suggest this variant impairs normal localization to the cell surface and may lead to premature protein degradation (Xiao et al. 2010. PubMed ID: 20863150; Beach et al. 2020. PubMed ID: 32300592). Alternative substitutions (p.Arg32Cys, p.Arg32Leu) at this amino acid position have been reported as pathogenic (Prasad et al. 2000. PubMed ID: 11102979; Wu et al 2002. PubMed ID: 12172394). This variant is reported in 0.00089% of alleles in individuals of European (Non-Finnish) descent in gnomAD. This variant is interpreted as pathogenic.

Genetics Laboratory, Great Ormond Street Hospital NHS Foundation Trust, North Thames Genomic Laboratory Hub
Classification: Pathogenic for Monogenic hearing loss. Last evaluated: 2025-10-03. Review status: criteria provided, single submitter. Criteria: ACGS Best Practice Guidelines for Variant Classification in Rare Disease 2024 v1.2. Collection method: clinical testing. Allele origin: germline. Affected: yes.
Comment: PM2_moderate, PP3_supporting, PM5_moderate, PS3_supporting, PM3_strong

Genomic Medicine Center of Excellence, King Faisal Specialist Hospital and Research Centre
Classification: Pathogenic for Autosomal recessive nonsyndromic hearing loss 1A. Last evaluated: 2025-09-10. Review status: criteria provided, single submitter. Criteria: ACMG Guidelines, 2015. Collection method: clinical testing. Allele origin: germline.

Natera, Inc.
Classification: Pathogenic for Autosomal recessive deafness type 1A. Last evaluated: 2025-09-08. Review status: criteria provided, single submitter. Criteria: Natera Variant Classification Schema (03/2026). Collection method: clinical testing. Allele origin: germline.
Comment: The c.95G>A variant in GJB2 is a missense variant predicted to cause substitution of arginine to histidine at amino acid 32. This variant is rare in the general population with a frequency below the threshold expected for the associated phenotype(s). This variant has been observed in one or more individuals affected with the associated recessive disease, as either homozygous or compound heterozygous with a second variant (PMID: 22695344). Computational prediction algorithms indicate this variant is likely to affect gene or protein function. Given the available evidence, this variant is classified as Pathogenic.

North West Genomic Laboratory Hub, Manchester University NHS Foundation Trust
Classification: Pathogenic for Monogenic hearing loss. Last evaluated: 2025-02-14. Review status: criteria provided, single submitter. Criteria: ACGS Best Practice Guidelines for Variant Classification in Rare Disease 2024. Collection method: clinical testing. Allele origin: germline. Affected: yes.
Comment: PM2_Mod PS3_Supp PM3_VStr

Athena Diagnostics
Classification: Pathogenic. Last evaluated: 2024-10-31. Review status: criteria provided, single submitter. Criteria: Athena Diagnostics Criteria. Collection method: clinical testing. Allele origin: unknown.
Comment: The frequency of this variant in the general population is consistent with pathogenicity. Assessment of experimental evidence suggests this variant results in abnormal protein function. (PMID: 20863150, 32300592) In multiple individuals, this variant has been seen with a single recessive pathogenic variant in the same gene, suggesting this variant may also be pathogenic. At least one other missense variant at this codon is considered to be pathogenic or likely pathogenic, suggesting this variant may also cause disease.

Labcorp Genetics (formerly Invitae), Labcorp
Classification: Pathogenic. Last evaluated: 2024-05-02. Review status: criteria provided, single submitter. Criteria: Invitae Variant Classification Sherloc (09022015). Collection method: clinical testing. Allele origin: germline.
Comment: This sequence change replaces arginine, which is basic and polar, with histidine, which is basic and polar, at codon 32 of the GJB2 protein (p.Arg32His). This variant is present in population databases (rs111033190, gnomAD 0.0009%). This missense change has been observed in individuals with autosomal recessive non-syndromic deafness (PMID: 11493200, 15666300, 29501291). ClinVar contains an entry for this variant (Variation ID: 44766). Advanced modeling of protein sequence and biophysical properties (such as structural, functional, and spatial information, amino acid conservation, physicochemical variation, residue mobility, and thermodynamic stability) performed at Invitae indicates that this missense variant is expected to disrupt GJB2 protein function with a positive predictive value of 95%. Experimental studies have shown that this missense change affects GJB2 function (PMID: 20863150). This variant disrupts the p.Arg32 amino acid residue in GJB2. Other variant(s) that disrupt this residue have been determined to be pathogenic (PMID: 11102979, 19371219, 21465647, 26346709, 27045574). This suggests that this residue is clinically significant, and that variants that disrupt this residue are likely to be disease-causing. For these reasons, this variant has been classified as Pathogenic.

GeneDx
Classification: Pathogenic. Last evaluated: 2022-01-25. Review status: criteria provided, single submitter. Criteria: GeneDx Variant Classification Process June 2021. Collection method: clinical testing. Allele origin: germline. Affected: yes.
Comment: Published functional studies suggest a damaging effect on protein localization as the mutant protein is retained in the endoplasmic reticulum (Xiao et al., 2011) and fails to form gap junction plaques (Beach et al., 2020); Not observed at a significant frequency in large population cohorts (gnomAD); In silico analysis supports that this missense variant has a deleterious effect on protein structure/function; This variant is associated with the following publications: (PMID: 31162818, 25388846, 29501291, 15070423, 31589614, 20863150, 11493200, 33105617, 31160754, 27792752, 32300592)

Women's Health and Genetics/Laboratory Corporation of America, LabCorp
Classification: Pathogenic for Deafness, autosomal recessive 1A. Last evaluated: 2019-11-08. Review status: criteria provided, single submitter. Criteria: LabCorp Variant Classification Summary - May 2015. Collection method: clinical testing. Allele origin: germline.
Comment: Variant summary: GJB2 c.95G>A (p.Arg32His) results in a non-conservative amino acid change located in the Connexin, N-terminal domain (IPR013092) of the encoded protein sequence. Five of five in-silico tools predict a damaging effect of the variant on protein function. The variant allele was found at a frequency of 4e-06 in 250526 control chromosomes (gnomAD). c.95G>A has been reported in the literature in multiple individuals affected with Non-Syndromic Hearing Loss (e.g. Baux_2017, Marlin_2001, Mustapha_2001, Snoeckx_2005). These data indicate that the variant is very likely to be associated with disease. Experimental evidence evaluating an impact on protein function demonstrated the variant affects gap junction functions by causing impaired membrane targeting and aberrant cellular localization (Xiao_2011). A ClinVar submitter (evaluation after 2014) cites the variant as pathogenic. Based on the evidence outlined above, the variant was classified as pathogenic.

Laboratory for Molecular Medicine, Mass General Brigham Personalized Medicine
Classification: Pathogenic for Rare genetic deafness. Last evaluated: 2014-06-30. Review status: criteria provided, single submitter. Criteria: LMM Criteria. Collection method: clinical testing. Allele origin: germline. Inheritance: Autosomal recessive inheritance. Observed: 3 variant alleles.
Comment: The Arg32His variant in GJB2 has been reported in many probands with sensorineur al hearing loss (Wajid 2004, Chaleshtori 2005, Pollak 2007, Bonyadi 2009, Feldm ann 2004, Hamid 2009, Marlin 2005, Marlin 2001, Mustapha 2001, Najmabadi 2005, P utcha 2007, Roux 2004, Santos 2005, Siemering 2006, Snoeckx 2005). At least 15 o f these probands were homozygous or compound heterozygous. In summary, this vari ant meets our criteria to be classified as pathogenic (/LMM).